The following is an entry in ClinVar:

ClinVar aggregate classification (germline): Benign. Review status: criteria provided, multiple submitters, no conflicts (2 of 4 stars). 9 submissions from 9 submitters: Benign (7). 2 of the submissions do not count toward it. Last evaluated 2026-02-03.

Conditions:
Metachromatic leukodystrophy (MLD). Also called: ARSA DEFICIENCY; CEREBROSIDE SULFATASE DEFICIENCY; Cerebral sclerosis diffuse metachromatic form; Arylsulfatase A Deficiency; METACHROMATIC LEUKOENCEPHALOPATHY; SULFATIDE LIPIDOSIS. Identifiers: Orphanet 512, MedGen C0023522, MONDO:0018868, OMIM 250100.

Allele frequency attached by ClinVar (database versions not stated): gnomAD exomes 0.00237 and 0.00594; ExAC 0.00873; ESP Exome Variant Server 0.02256; gnomAD 0.02271 and 0.02425; TOPMed 0.02586; 1000 Genomes Project 0.02835; 1000 Genomes Project 30x 0.02936.
gnomAD v4.1: 7,061 of 1,607,682 alleles (0.44%); highest among the groups gnomAD compares: African/African-American, 8%; 257 homozygotes.

Submissions (9):

Labcorp Genetics (formerly Invitae), Labcorp
Classification: Benign for Metachromatic leukodystrophy. Last evaluated: 2026-02-03. Review status: criteria provided, single submitter. Criteria: Invitae Variant Classification Sherloc (09022015). Collection method: clinical testing. Allele origin: germline.

Women's Health and Genetics/Laboratory Corporation of America, LabCorp
Classification: Benign. Last evaluated: 2019-04-01. Review status: criteria provided, single submitter. Criteria: LabCorp Variant Classification Summary - May 2015. Collection method: clinical testing. Allele origin: germline.
Comment: Variant summary: ARSA c.243C>T alters a non-conserved nucleotide resulting in a synonymous change. 5/5 computational tools predict no significant alterations at the canonical splice site. However, these predictions have yet to be confirmed by functional studies. The variant allele was found at a frequency of 0.0076 in 259806 control chromosomes, predominantly at a frequency of 0.079 within the African subpopulation in the gnomAD database, including 65 homozygotes. The observed variant frequency within African control individuals in the gnomAD database is approximately 28 fold of the estimated maximal expected allele frequency for a pathogenic variant in ARSA causing Metachromatic Leukodystrophy phenotype (0.0028), strongly suggesting that the variant is a benign polymorphism found primarily in populations of African origin. To our knowledge, no occurrence of c.243C>T in individuals affected with Metachromatic Leukodystrophy and no experimental evidence demonstrating its impact on protein function have been reported. Five clinical diagnostic laboratories have submitted clinical-significance assessments for this variant to ClinVar after 2014 without evidence for independent evaluation. All laboratories classified the variant as benign (X4) /likely benign (X1). Based on the evidence outlined above, the variant was classified as benign.

GeneDx
Classification: Benign. Last evaluated: 2018-07-05. Review status: criteria provided, single submitter. Criteria: GeneDx Variant Classification Process June 2021. Collection method: clinical testing. Allele origin: germline. Affected: yes.

Illumina Laboratory Services, Illumina
Classification: Benign for Metachromatic leukodystrophy. Last evaluated: 2018-01-13. Review status: criteria provided, single submitter. Criteria: ICSL Variant Classification Criteria 13 December 2019. Collection method: clinical testing. Allele origin: germline.
Comment: This variant was observed in the ICSL laboratory as part of a predisposition screen in an ostensibly healthy population. It had not been previously curated by ICSL or reported in the Human Gene Mutation Database (HGMD: prior to June 1st, 2018), and was therefore a candidate for classification through an automated scoring system. Utilizing variant allele frequency, disease prevalence and penetrance estimates, and inheritance mode, an automated score was calculated to assess if this variant is too frequent to cause the disease. Based on the score and internal cut-off values, a variant classified as benign is not then subjected to further curation. The score for this variant resulted in a classification of benign for this disease.

Athena Diagnostics
Classification: Benign for Metachromatic leukodystrophy. Last evaluated: 2017-06-29. Review status: criteria provided, single submitter. Criteria: Athena Diagnostics Criteria. Collection method: clinical testing. Allele origin: germline.

Eurofins Ntd Llc (ga)
Classification: Benign. Last evaluated: 2016-01-15. Review status: criteria provided, single submitter. Criteria: EGL Classification Definitions 2015. Collection method: clinical testing. Allele origin: germline. Observed: 3 variant alleles, 2 heterozygotes, 1 homozygote.

Breakthrough Genomics
Classification: Benign. Review status: criteria provided, single submitter. Criteria: ACMG Guidelines, 2015. Collection method: not provided. Allele origin: germline. Inheritance: Autosomal recessive inheritance. Affected: yes.

Natera, Inc.
Classification: Benign for Metachromatic leukodystrophy. Last evaluated: 2020-09-16. Review status: no assertion criteria provided. Collection method: clinical testing. Allele origin: germline. Not counted in ClinVar's aggregate classification.

Mayo Clinic Laboratories, Mayo Clinic
Classification: Benign. Last evaluated: 2017-05-16. Review status: no assertion criteria provided. Collection method: clinical testing. Allele origin: unknown. Not counted in ClinVar's aggregate classification.

Literature cited by the submitters: PubMed 29544907 (cited by Women's Health and Genetics/Laboratory Corporation of America, LabCorp).

NM_000487.6(ARSA):c.243C>T (p.Gly81=)

Gene: ARSA (arylsulfatase A; minus strand). Cytogenetic location: 22q13.33.
Variant type: single nucleotide variant.
Coding change: c.243C>T on transcript NM_000487.6 (MANE Select); coding-DNA position 243, C replaced by T.
Protein change: p.Gly81=; no amino-acid change (glycine 81 retained).
Molecular consequence: synonymous variant. On other transcripts: 5 prime UTR variant (2).
Genome position (GRCh38, 1-based): chr22:50,627,388, G>A on the plus strand (C>T on the coding strand, the complement: ARSA is on the minus strand). VCF-style: chr22-50627388-G-A. GRCh37 (hg19) VCF-style: chr22-51065816-G-A.
Other names: c.243C>T, p.Gly81= (NM_001085425.3, NM_001085426.3, NM_001085427.3); c.-16C>T (NM_001085428.3, NM_001362782.2).
Identifiers: ClinVar variation 281161 (VCV000281161.25), dbSNP rs6151410, ClinGen allele CA10325077.